The following is an entry in ClinVar:

ClinVar aggregate classification (germline): Uncertain significance. Review status: criteria provided, multiple submitters, no conflicts (2 of 4 stars). 2 submissions from 2 submitters: Uncertain significance (2). Last evaluated 2025-08-23.

Conditions:
Charcot-Marie-Tooth disease axonal type 2U. Also called: CHARCOT-MARIE-TOOTH NEUROPATHY, TYPE 2U; CHARCOT-MARIE-TOOTH DISEASE, AXONAL, AUTOSOMAL DOMINANT, TYPE 2U. Identifiers: Orphanet 397735, MedGen C4084821, MONDO:0014566, OMIM 616280.
Severe early-onset pulmonary alveolar proteinosis due to MARS deficiency. Also called: PULMONARY ALVEOLAR PROTEINOSIS, REUNION ISLAND; Interstitial lung and liver disease. Identifiers: Orphanet 440427, MedGen C4225400, MONDO:0014206, OMIM 615486.

Allele frequency attached by ClinVar (database versions not stated): gnomAD 0.00002 and below 0.00001; gnomAD exomes 0.00007; ExAC 0.00008; TOPMed 0.00001.
gnomAD v4.1: 66 of 1,613,972 alleles (0.0041%); highest among the groups gnomAD compares: South Asian, 0.068%; 2 homozygotes.

Submissions (2):

Ambry Genetics
Classification: Uncertain significance. Last evaluated: 2025-08-23. Review status: criteria provided, single submitter. Criteria: Ambry Variant Classification Scheme 2023. Collection method: clinical testing. Allele origin: germline.

Labcorp Genetics (formerly Invitae), Labcorp
Classification: Uncertain significance for Charcot-Marie-Tooth disease axonal type 2U; Severe early-onset pulmonary alveolar proteinosis due to MARS deficiency. Last evaluated: 2025-03-03. Review status: criteria provided, single submitter. Criteria: Invitae Variant Classification Sherloc (09022015). Collection method: clinical testing. Allele origin: germline.
Comment: This sequence change replaces glutamic acid, which is acidic and polar, with valine, which is neutral and non-polar, at codon 231 of the MARS protein (p.Glu231Val). This variant is present in population databases (rs755863042, gnomAD 0.06%), including at least one homozygous and/or hemizygous individual. This variant has not been reported in the literature in individuals affected with MARS-related conditions. ClinVar contains an entry for this variant (Variation ID: 842917). An algorithm developed to predict the effect of missense changes on protein structure and function (PolyPhen-2) suggests that this variant is likely to be tolerated. In summary, the available evidence is currently insufficient to determine the role of this variant in disease. Therefore, it has been classified as a Variant of Uncertain Significance.

NM_004990.4(MARS1):c.692A>T (p.Glu231Val)

Gene: MARS1 (methionyl-tRNA synthetase 1; plus strand). Cytogenetic location: 12q13.3.
Variant type: single nucleotide variant.
Coding change: c.692A>T on transcript NM_004990.4 (MANE Select); coding-DNA position 692, A replaced by T.
Protein change: p.Glu231Val; replaces glutamic acid 231 with valine.
Molecular consequence: missense variant.
Genome position (GRCh38, 1-based): chr12:57,490,566, A>T. VCF-style: chr12-57490566-A-T. GRCh37 (hg19) VCF-style: chr12-57884349-A-T.
Other names: short protein forms E231V.
Identifiers: ClinVar variation 842917 (VCV000842917.10), dbSNP rs755863042, ClinGen allele CA6650261.
Genomic context (GRCh38, chr12:57,490,566, plus strand): 5'-ACCTGGTAAGGGATTCTCTCCACTCTTTATAGGAGGAGGAGCTGGCTACCCTATCTGAGG[A>T]GGAGATTGCTATGGCTGTTACTGCTTGGGAGAAGGGCCTAGAAAGTTTGCCCCCGCTGCG-3'
Protein context (NP_004981.2, residues 221-241): EEEELATLSE[Glu231Val]EIAMAVTAWE